The following is an entry in ClinVar:

NM_005802.5(TOPORS):c.2987_2988del (p.Leu996fs)

Gene: TOPORS (TOP1 binding arginine/serine rich protein, E3 ubiquitin ligase; minus strand). Cytogenetic location: 9p21.1.
Variant type: Microsatellite.
Coding change: c.2987_2988del on transcript NM_005802.5 (MANE Select); coding-DNA positions 2987 to 2988, 2 bases deleted (TC; older notation c.2987_2988delTC).
Protein change: p.Leu996fs; shifts the reading frame from leucine 996.
Molecular consequence: frameshift variant.
Genome position (GRCh38, 1-based): chr9:32,541,537-32,541,538, GA deleted on the plus strand (TC on the coding strand, the reverse complement: TOPORS is on the minus strand); deleting any 2 consecutive bases within chr9:32,541,537-32,541,541 gives the same sequence; the c. name uses the placement nearest the transcript's 3' end. VCF-style (leftmost placement, unchanged base first): chr9-32541536-CGA-C. GRCh37 (hg19) VCF-style: chr9-32541534-CGA-C.
Other names: c.2792_2793del, p.Leu931fs (NM_001195622.2); short protein forms L931fs, L996fs.
Identifiers: ClinVar variation 2983512 (VCV002983512.4), dbSNP rs1190133840, ClinGen allele CA863290569.

ClinVar aggregate classification (germline): Uncertain significance. Review status: criteria provided, multiple submitters, no conflicts (2 of 4 stars). 2 submissions from 2 submitters: Uncertain significance (2). Last evaluated 2023-09-25.

Submissions (2):

Labcorp Genetics (formerly Invitae), Labcorp
Classification: Uncertain significance. Last evaluated: 2023-09-25. Review status: criteria provided, single submitter. Criteria: Invitae Variant Classification Sherloc (09022015). Collection method: clinical testing. Allele origin: germline.
Comment: In summary, the available evidence is currently insufficient to determine the role of this variant in disease. Therefore, it has been classified as a Variant of Uncertain Significance. Experimental studies and prediction algorithms are not available or were not evaluated, and the functional significance of this variant is currently unknown. This sequence change creates a premature translational stop signal (p.Leu996Argfs*11) in the TOPORS gene. While this is not anticipated to result in nonsense mediated decay, it is expected to disrupt the last 50 amino acid(s) of the TOPORS protein. This variant is not present in population databases (gnomAD no frequency). This variant has not been reported in the literature in individuals affected with TOPORS-related conditions.

Blueprint Genetics
Classification: Uncertain significance. Last evaluated: 2018-05-16. Review status: criteria provided, single submitter. Criteria: ACMG Guidelines, 2015. Collection method: clinical testing. Allele origin: germline.